The following is an entry in ClinVar:

ClinVar aggregate classification (germline): Benign (0 of 4 stars; one submission).

Conditions:
MUC16-related disorder. Also called: MUC16-related condition.

Allele frequency attached by ClinVar (database versions not stated): gnomAD exomes 0.00033; ExAC 0.00120; 1000 Genomes Project 0.00260; 1000 Genomes Project 30x 0.00281; ESP Exome Variant Server 0.00382; gnomAD 0.00394; TOPMed 0.00450.

Submission:

PreventionGenetics, part of Exact Sciences
Classification: Benign for MUC16-related condition. Last evaluated: 2019-07-30. Review status: no assertion criteria provided. Collection method: clinical testing. Allele origin: germline.
Comment: This variant is classified as benign based on ACMG/AMP sequence variant interpretation guidelines (Richards et al. 2015 PMID: 25741868, with internal and published modifications).

NM_001401501.2(MUC16):c.356T>C (p.Leu119Ser)

Gene: MUC16 (mucin 16, cell surface associated; minus strand). Cytogenetic location: 19p13.2.
Variant type: single nucleotide variant.
Coding change: c.356T>C on transcript NM_001401501.2 (MANE Select); coding-DNA position 356, T replaced by C.
Protein change: p.Leu119Ser; replaces leucine 119 with serine.
Molecular consequence: missense variant.
Genome position (GRCh38, 1-based): chr19:8,980,903, A>G on the plus strand (T>C on the coding strand, the complement: MUC16 is on the minus strand). VCF-style: chr19-8980903-A-G. GRCh37 (hg19) VCF-style: chr19-9091579-A-G.
Other names: c.782T>C, p.Leu261Ser (NM_001414686.1); c.236T>C, p.Leu79Ser (NM_001414687.1, NM_024690.2); short protein forms L119S, L261S, L79S.
Identifiers: ClinVar variation 3038880 (VCV003038880.2), dbSNP rs189303905, ClinGen allele CA9173644.